The following is an entry in ClinVar:

NM_000391.4(TPP1):c.1331C>T (p.Ala444Val)

Gene: TPP1 (tripeptidyl peptidase 1; minus strand). Cytogenetic location: 11p15.4.
Variant type: single nucleotide variant.
Coding change: c.1331C>T on transcript NM_000391.4 (MANE Select); coding-DNA position 1331, C replaced by T.
Protein change: p.Ala444Val; replaces alanine 444 with valine.
Molecular consequence: missense variant.
Genome position (GRCh38, 1-based): chr11:6,615,265, G>A on the plus strand (C>T on the coding strand, the complement: TPP1 is on the minus strand). VCF-style: chr11-6615265-G-A. GRCh37 (hg19) VCF-style: chr11-6636496-G-A.
Other names: short protein forms A444V.
Identifiers: ClinVar variation 2199375 (VCV002199375.2), dbSNP rs760974302, ClinGen allele CA379472704.

ClinVar aggregate classification (germline): Uncertain significance (1 of 4 stars; one submission).

Submission:

Labcorp Genetics (formerly Invitae), Labcorp
Classification: Uncertain significance. Last evaluated: 2022-01-26. Review status: criteria provided, single submitter. Criteria: Invitae Variant Classification Sherloc (09022015). Collection method: clinical testing. Allele origin: germline.
Comment: In summary, the available evidence is currently insufficient to determine the role of this variant in disease. Therefore, it has been classified as a Variant of Uncertain Significance. Algorithms developed to predict the effect of sequence changes on RNA splicing suggest that this variant may create or strengthen a splice site. Advanced modeling of protein sequence and biophysical properties (such as structural, functional, and spatial information, amino acid conservation, physicochemical variation, residue mobility, and thermodynamic stability) performed at Invitae indicates that this missense variant is not expected to disrupt TPP1 protein function. This variant has not been reported in the literature in individuals affected with TPP1-related conditions. This variant is not present in population databases (gnomAD no frequency). This sequence change replaces alanine, which is neutral and non-polar, with valine, which is neutral and non-polar, at codon 444 of the TPP1 protein (p.Ala444Val).